The following is an entry in ClinVar:

NM_021167.5(GATAD1):c.157G>C (p.Gly53Arg)

Genes: GATAD1 (GATA zinc finger domain containing 1; plus strand), LOC129998793 (ATAC-STARR-seq lymphoblastoid silent region 18371; plus strand). Cytogenetic location: 7q21.2.
Variant type: single nucleotide variant.
Coding change: c.157G>C on transcript NM_021167.5 (MANE Select); coding-DNA position 157, G replaced by C.
Protein change: p.Gly53Arg; replaces glycine 53 with arginine.
Molecular consequence: missense variant. On other transcripts: non-coding transcript variant (1).
Genome position (GRCh38, 1-based): chr7:92,447,886, G>C. VCF-style: chr7-92447886-G-C. GRCh37 (hg19) VCF-style: chr7-92077200-G-C.
Other names: short protein forms G53R.
Identifiers: ClinVar variation 1381957 (VCV001381957.13), dbSNP rs988478105, ClinGen allele CA161960795.
Genomic context (GRCh38, chr7:92,447,886, plus strand): 5'-TGCACTGGCCGGGGCGGCGCGGGCAGCGGGGGCGCAGGCTCGGGGGCGGCTGGAGGGACT[G>C]GGGGCAGCGGCGGCGGCGGCTTCGGCGCGGCGACCTTCGCCAGCACCTCCGCCACCCCTC-3'
Protein context (NP_066990.3, residues 43-63): GAGSGAAGGT[Gly53Arg]GSGGGGFGAA

ClinVar aggregate classification (germline): Uncertain significance. Review status: criteria provided, multiple submitters, no conflicts (2 of 4 stars). 3 submissions from 3 submitters: Uncertain significance (3). Last evaluated 2025-08-08.

Conditions:
Dilated cardiomyopathy 2B. Identifiers: Orphanet 154, MedGen C3553409, MONDO:0013848, OMIM 614672.
Cardiovascular phenotype. Identifiers: MedGen CN230736.

gnomAD v4.1: 30 of 1,278,914 alleles (0.0023%); highest among the groups gnomAD compares: Middle Eastern, 0.023%; no homozygotes.

Submissions (3):

Ambry Genetics
Classification: Uncertain significance for Cardiovascular phenotype. Last evaluated: 2025-08-08. Review status: criteria provided, single submitter. Criteria: Ambry Variant Classification Scheme 2023. Collection method: clinical testing. Allele origin: germline.

Labcorp Genetics (formerly Invitae), Labcorp
Classification: Uncertain significance for Dilated cardiomyopathy 2B. Last evaluated: 2024-03-15. Review status: criteria provided, single submitter. Criteria: Invitae Variant Classification Sherloc (09022015). Collection method: clinical testing. Allele origin: germline.
Comment: This sequence change replaces glycine, which is neutral and non-polar, with arginine, which is basic and polar, at codon 53 of the GATAD1 protein (p.Gly53Arg). This variant is present in population databases (no rsID available, gnomAD 0.006%). This variant has not been reported in the literature in individuals affected with GATAD1-related conditions. ClinVar contains an entry for this variant (Variation ID: 1381957). An algorithm developed to predict the effect of missense changes on protein structure and function (PolyPhen-2) suggests that this variant is likely to be tolerated. In summary, the available evidence is currently insufficient to determine the role of this variant in disease. Therefore, it has been classified as a Variant of Uncertain Significance.

Fulgent Genetics
Classification: Uncertain significance for Dilated cardiomyopathy 2B. Last evaluated: 2021-09-23. Review status: criteria provided, single submitter. Criteria: ACMG Guidelines, 2015. Collection method: clinical testing. Allele origin: unknown.